The following is an entry in ClinVar:

ClinVar aggregate classification (germline): Likely pathogenic (1 of 4 stars; one submission).

Conditions:
Short-rib thoracic dysplasia 10 with or without polydactyly (SRTD10). Identifiers: Orphanet 474, MedGen C3810175, MONDO:0014284, OMIM 615630.
Retinitis pigmentosa 71 (RP71). Identifiers: Orphanet 791, MedGen C4225342, MONDO:0014618, OMIM 616394.

Submission:

Labcorp Genetics (formerly Invitae), Labcorp
Classification: Likely pathogenic for Retinitis pigmentosa 71; Short-rib thoracic dysplasia 10 with or without polydactyly. Last evaluated: 2024-03-13. Review status: criteria provided, single submitter. Criteria: Invitae Variant Classification Sherloc (09022015). Collection method: clinical testing. Allele origin: germline.
Comment: This sequence change affects a donor splice site in intron 12 of the IFT172 gene. It is expected to disrupt RNA splicing. Variants that disrupt the donor or acceptor splice site typically lead to a loss of protein function (PMID: 16199547), and loss-of-function variants in IFT172 are known to be pathogenic (PMID: 24140113). This variant is not present in population databases (gnomAD no frequency). This variant has not been reported in the literature in individuals affected with IFT172-related conditions. Algorithms developed to predict the effect of sequence changes on RNA splicing suggest that this variant may disrupt the consensus splice site. In summary, the currently available evidence indicates that the variant is pathogenic, but additional data are needed to prove that conclusively. Therefore, this variant has been classified as Likely Pathogenic.

Literature cited by the submitters: PubMed 16199547; PubMed 24140113.

NM_015662.3(IFT172):c.1221+1G>A

Gene: IFT172 (intraflagellar transport 172; minus strand). Cytogenetic location: 2p23.3.
Variant type: single nucleotide variant.
Coding change: c.1221+1G>A on transcript NM_015662.3 (MANE Select); the canonical splice donor site of the intron after coding-DNA position 1221, G replaced by A.
Molecular consequence: splice donor variant.
Genome position (GRCh38, 1-based): chr2:27,477,558, C>T on the plus strand (G>A on the coding strand, the complement: IFT172 is on the minus strand). VCF-style: chr2-27477558-C-T. GRCh37 (hg19) VCF-style: chr2-27700425-C-T.
Other names: c.1221+1G>A (NM_001410739.1).
Identifiers: ClinVar variation 3755240 (VCV003755240.2).
Genomic context (GRCh38, chr2:27,477,558, plus strand): 5'-ATGACACAGAAGCTAGAAGGAGGCTTATCAAGATGGTGATGGTGAATCAAGCTCTACTCA[C>T]ATTCTCATTTTCAAAGAAATACTTCTCATTGCCACCAGATCCTTGCCAGGCTATCTGTAA-3'